The following is an entry in ClinVar:

ClinVar aggregate classification (germline): Conflicting classifications of pathogenicity. Review status: criteria provided, conflicting classifications (1 of 4 stars). 2 submissions from 1 submitter: Uncertain significance (1); Likely benign (1). Last evaluated 2018-01-13.

Conditions:
Corneal dystrophy. Identifiers: Orphanet 34533, MedGen C0010036, MONDO:0018102, HP:0001131.
Bietti crystalline corneoretinal dystrophy (BCD). Also called: Bietti Crystalline Dystrophy; BIETTI TAPETORETINAL DEGENERATION WITH MARGINAL CORNEAL DYSTROPHY. Identifiers: Orphanet 41751, MedGen C1859486, MONDO:0008865, OMIM 210370.

Allele frequency attached by ClinVar (database versions not stated): gnomAD 0.00053 and 0.00058; TOPMed 0.00061; 1000 Genomes Project 0.00100; 1000 Genomes Project 30x 0.00109.

Submissions (2):

Illumina Laboratory Services, Illumina
Classification: Uncertain significance for Corneal dystrophy. Last evaluated: 2018-01-13. Review status: criteria provided, single submitter. Criteria: ICSL Variant Classification Criteria 13 December 2019. Collection method: clinical testing. Allele origin: germline.

Illumina Laboratory Services, Illumina
Classification: Likely benign for Bietti crystalline corneoretinal dystrophy. Last evaluated: 2018-01-13. Review status: criteria provided, single submitter. Criteria: ICSL Variant Classification Criteria 13 December 2019. Collection method: clinical testing. Allele origin: germline.
Comment: This variant was observed in the ICSL laboratory as part of a predisposition screen in an ostensibly healthy population. It had not been previously curated by ICSL or reported in the Human Gene Mutation Database (HGMD: prior to June 1st, 2018), and was therefore a candidate for classification through an automated scoring system. Utilizing variant allele frequency, disease prevalence and penetrance estimates, and inheritance mode, an automated score was calculated to assess if this variant is too frequent to cause the disease. Based on the score and internal cut-off values, a variant classified as likely benign is not then subjected to further curation. The score for this variant resulted in a classification of likely benign for this disease.

NM_207352.4(CYP4V2):c.*1737A>G

Genes: CYP4V2 (cytochrome P450 family 4 subfamily V member 2; plus strand), KLKB1 (kallikrein B1; plus strand). Cytogenetic location: 4q35.2.
Variant type: single nucleotide variant.
Coding change: c.*1737A>G on transcript NM_207352.4 (MANE Select); 1737 bases downstream of the stop codon, A replaced by G.
Molecular consequence: 3 prime UTR variant.
Genome position (GRCh38, 1-based): chr4:186,212,378, A>G. VCF-style: chr4-186212378-A-G. GRCh37 (hg19) VCF-style: chr4-187133532-A-G.
Identifiers: ClinVar variation 348355 (VCV000348355.5), dbSNP rs78965616, ClinGen allele CA10620648.
Genomic context (GRCh38, chr4:186,212,378, plus strand): 5'-CTATATTTAGTAACCCAGTAATATCTCACTTAGTTTAGGGTTAGATCTTTAGTTAATTCA[A>G]CCTTATAGATCATACTTATGAAGGTGATAACTGACACGTGTTCACTGAATTTTAATTTGA-3'